The following is an entry in ClinVar:

ClinVar aggregate classification (germline): Uncertain significance. Review status: criteria provided, multiple submitters, no conflicts (2 of 4 stars). 2 submissions from 2 submitters: Uncertain significance (2). Last evaluated 2022-07-01.

Allele frequency attached by ClinVar (database versions not stated): gnomAD exomes below 0.00001; gnomAD 0.00001; TOPMed 0.00002; ExAC 0.00008.
gnomAD v4.1: 5 of 1,474,176 alleles (0.00034%); highest among the groups gnomAD compares: Admixed American, 0.0025%; no homozygotes.

Submissions (2):

Labcorp Genetics (formerly Invitae), Labcorp
Classification: Uncertain significance. Last evaluated: 2022-07-01. Review status: criteria provided, single submitter. Criteria: Invitae Variant Classification Sherloc (09022015). Collection method: clinical testing. Allele origin: germline.
Comment: This sequence change replaces glutamic acid, which is acidic and polar, with lysine, which is basic and polar, at codon 16 of the CFAP410 protein (p.Glu16Lys). The frequency data for this variant in the population databases is considered unreliable, as metrics indicate poor data quality at this position in the gnomAD database. This variant has not been reported in the literature in individuals affected with CFAP410-related conditions. Algorithms developed to predict the effect of missense changes on protein structure and function (SIFT, PolyPhen-2, Align-GVGD) all suggest that this variant is likely to be tolerated. In summary, the available evidence is currently insufficient to determine the role of this variant in disease. Therefore, it has been classified as a Variant of Uncertain Significance.

Blueprint Genetics
Classification: Uncertain significance. Last evaluated: 2022-03-08. Review status: criteria provided, single submitter. Criteria: ACMG Guidelines, 2015. Collection method: clinical testing. Allele origin: germline.

NM_004928.3(CFAP410):c.46G>A (p.Glu16Lys)

Genes: CFAP410 (cilia and flagella associated protein 410; minus strand), LOC130066823 (ATAC-STARR-seq lymphoblastoid silent region 13383; plus strand). Cytogenetic location: 21q22.3.
Variant type: single nucleotide variant.
Coding change: c.46G>A on transcript NM_004928.3 (MANE Select); coding-DNA position 46, G replaced by A.
Protein change: p.Glu16Lys; replaces glutamic acid 16 with lysine.
Molecular consequence: missense variant.
Genome position (GRCh38, 1-based): chr21:44,339,149, C>T on the plus strand (G>A on the coding strand, the complement: CFAP410 is on the minus strand). VCF-style: chr21-44339149-C-T. GRCh37 (hg19) VCF-style: chr21-45759032-C-T.
Other names: c.46G>A, p.Glu16Lys (NM_001271440.2, NM_001271441.2); short protein forms E16K.
Identifiers: ClinVar variation 1985624 (VCV001985624.2), dbSNP rs762237699, ClinGen allele CA10053913.